The following is an entry in ClinVar:

NM_000062.3(SERPING1):c.1033G>C (p.Gly345Arg)

Gene: SERPING1 (serpin family G member 1; plus strand). Cytogenetic location: 11q12.1.
Variant type: single nucleotide variant.
Coding change: c.1033G>C on transcript NM_000062.3 (MANE Select); coding-DNA position 1033, G replaced by C.
Protein change: p.Gly345Arg; replaces glycine 345 with arginine.
Molecular consequence: missense variant.
Genome position (GRCh38, 1-based): chr11:57,611,720, G>C. VCF-style: chr11-57611720-G-C. GRCh37 (hg19) VCF-style: chr11-57379193-G-C.
Other names: c.1033G>C, p.Gly345Arg (NM_001032295.2); short protein forms G345R.
Identifiers: ClinVar variation 4718431 (VCV004718431.1).
Genomic context (GRCh38, chr11:57,611,720, plus strand): 5'-GGGGCCAGGAGAGAGATGCGGTAGGAAGACTGTTAAGATGCATCTCTTATTTTCTAGGTG[G>C]GGCAGCTGCAGCTCTCCCACAATCTGAGTTTGGTGATCCTGGTACCCCAGAACCTGAAAC-3'
Protein context (NP_000053.2, residues 335-355): FIDQTLKAKV[Gly345Arg]QLQLSHNLSL

ClinVar aggregate classification (germline): Pathogenic (1 of 4 stars; one submission).

Submission:

Labcorp Genetics (formerly Invitae), Labcorp
Classification: Pathogenic. Last evaluated: 2025-08-27. Review status: criteria provided, single submitter. Criteria: Invitae Variant Classification Sherloc (09022015). Collection method: clinical testing. Allele origin: germline.
Comment: This sequence change replaces glycine, which is neutral and non-polar, with arginine, which is basic and polar, at codon 345 of the SERPING1 protein (p.Gly345Arg). This variant is not present in population databases (gnomAD no frequency). This missense change has been observed in individual(s) with clinical features of autosomal dominant hereditary angioedema (PMID: 15971231, 16409206, 31517426). Invitae Evidence Modeling of protein sequence and biophysical properties (such as structural, functional, and spatial information, amino acid conservation, physicochemical variation, residue mobility, and thermodynamic stability) indicates that this missense variant is expected to disrupt SERPING1 protein function with a positive predictive value of 80%. For these reasons, this variant has been classified as Pathogenic.

Literature cited by the submitters: PubMed 15971231; PubMed 16409206; PubMed 31517426.